The following is an entry in ClinVar:

ClinVar aggregate classification (germline): Uncertain significance (1 of 4 stars; one submission).

Conditions:
Inborn genetic diseases. Identifiers: MedGen C0950123, MeSH D030342.

gnomAD v4.1: 9 of 1,159,592 alleles (0.00078%); highest among the groups gnomAD compares: Non-Finnish European, 0.00094%; no homozygotes.

Submission:

Ambry Genetics
Classification: Uncertain significance for Inborn genetic diseases. Last evaluated: 2026-01-09. Review status: criteria provided, single submitter. Criteria: Ambry Variant Classification Scheme 2023. Collection method: clinical testing. Allele origin: germline.
Comment: The c.557G>A (p.R186Q) alteration is located in exon 5 (coding exon 5) of the GPR143 gene. This alteration results from a G to A substitution at nucleotide position 557, causing the arginine (R) at amino acid position 186 to be replaced by a glutamine (Q). Based on data from gnomAD, the A allele has an overall frequency of <0.001% (1/183257) total alleles studied. The highest observed frequency was 0.001% (1/81764) of European (non-Finnish) alleles. Based on insufficient or conflicting evidence, the clinical significance of this alteration remains unclear.

NM_000273.3(GPR143):c.557G>A (p.Arg186Gln)

Gene: GPR143 (G protein-coupled receptor 143; minus strand). Cytogenetic location: Xp22.2.
Variant type: single nucleotide variant.
Coding change: c.557G>A on transcript NM_000273.3 (MANE Select); coding-DNA position 557, G replaced by A.
Protein change: p.Arg186Gln; replaces arginine 186 with glutamine.
Molecular consequence: missense variant.
Genome position (GRCh38, 1-based): chrX:9,746,145, C>T on the plus strand (G>A on the coding strand, the complement: GPR143 is on the minus strand). VCF-style: chrX-9746145-C-T. GRCh37 (hg19) VCF-style: chrX-9714185-C-T.
Other names: c.557G>A, p.Arg186Gln (NM_001440781.1); short protein forms R186Q.
Identifiers: ClinVar variation 4832686 (VCV004832686.1).
Genomic context (GRCh38, chrX:9,746,145, plus strand): 5'-AGAACCAGCAGCAGGGGCAGGTACATGGTGACATAGTGGGGGATGGCGTGGTCCAGGCCC[C>T]GCTCACACCTGAGAGAGGAAAACCAAAGTCATTCTTCTCAAAAGCAAAGTTTTGGCTAAA-3'
Protein context (NP_000264.2, residues 176-196): LYYPSVSRCE[Arg186Gln]GLDHAIPHYV